The following is an entry in ClinVar:

NM_001081.4(CUBN):c.3496G>A (p.Gly1166Arg)

Gene: CUBN (cubilin; minus strand). Cytogenetic location: 10p13.
Variant type: single nucleotide variant.
Coding change: c.3496G>A on transcript NM_001081.4 (MANE Select); coding-DNA position 3496, G replaced by A.
Protein change: p.Gly1166Arg; replaces glycine 1166 with arginine.
Molecular consequence: missense variant.
Genome position (GRCh38, 1-based): chr10:17,045,183, C>T on the plus strand (G>A on the coding strand, the complement: CUBN is on the minus strand). VCF-style: chr10-17045183-C-T. GRCh37 (hg19) VCF-style: chr10-17087182-C-T.
Other names: c.3496G>A (NM_001081.3); short protein forms G1166R.
Identifiers: ClinVar variation 1372722 (VCV001372722.6), dbSNP rs201443885, ClinGen allele CA5424643.

ClinVar aggregate classification (germline): Uncertain significance. Review status: criteria provided, multiple submitters, no conflicts (2 of 4 stars). 4 submissions from 4 submitters: Uncertain significance (4). Last evaluated 2024-01-24.

Conditions:
Imerslund-Grasbeck syndrome. Also called: PERNICIOUS ANEMIA, JUVENILE, DUE TO SELECTIVE INTESTINAL MALABSORPTION OF VITAMIN B12, WITH PROTEINURIA; Megaloblastic anemia due to inborn errors of metabolism; ENTEROCYTE COBALAMIN MALABSORPTION; ENTEROCYTE INTRINSIC FACTOR RECEPTOR, DEFECT OF; Imerslund-Gräsbeck syndrome. Identifiers: Orphanet 35858, MedGen C4551825, MONDO:0009853.
Proteinuria, chronic benign. Identifiers: MedGen C5394384, MONDO:0030042, OMIM 618884.
Imerslund-Grasbeck syndrome type 1 (IGS1). Also called: Imerslund-Gräsbeck syndrome 1; Megaloblastic anemia 1, Finnish type; MEGALOBLASTIC ANEMIA, 1. Identifiers: MedGen C4016819, MONDO:0100156, OMIM 261100.
Inborn genetic diseases. Identifiers: MedGen C0950123, MeSH D030342.

Allele frequency attached by ClinVar (database versions not stated): ExAC 0.00002; gnomAD exomes 0.00004 and 0.00002; TOPMed 0.00003; gnomAD 0.00004.
gnomAD v4.1: 39 of 1,613,342 alleles (0.0024%); highest among the groups gnomAD compares: Non-Finnish European, 0.003%; no homozygotes.

Submissions (4):

Fulgent Genetics
Classification: Uncertain significance for Imerslund-Grasbeck syndrome type 1; Proteinuria, chronic benign. Last evaluated: 2024-01-24. Review status: criteria provided, single submitter. Criteria: ACMG Guidelines, 2015. Collection method: clinical testing. Allele origin: germline.

Ambry Genetics
Classification: Uncertain significance for Inborn genetic diseases. Last evaluated: 2022-12-19. Review status: criteria provided, single submitter. Criteria: Ambry Variant Classification Scheme 2023. Collection method: clinical testing. Allele origin: germline.

Labcorp Genetics (formerly Invitae), Labcorp
Classification: Uncertain significance for Imerslund-Grasbeck syndrome. Last evaluated: 2022-08-10. Review status: criteria provided, single submitter. Criteria: Invitae Variant Classification Sherloc (09022015). Collection method: clinical testing. Allele origin: germline.
Comment: This sequence change replaces glycine, which is neutral and non-polar, with arginine, which is basic and polar, at codon 1166 of the CUBN protein (p.Gly1166Arg). This variant is present in population databases (rs201443885, gnomAD 0.006%). This variant has not been reported in the literature in individuals affected with CUBN-related conditions. ClinVar contains an entry for this variant (Variation ID: 1372722). Algorithms developed to predict the effect of missense changes on protein structure and function (SIFT, PolyPhen-2, Align-GVGD) all suggest that this variant is likely to be disruptive. Algorithms developed to predict the effect of sequence changes on RNA splicing suggest that this variant may create or strengthen a splice site. In summary, the available evidence is currently insufficient to determine the role of this variant in disease. Therefore, it has been classified as a Variant of Uncertain Significance.

Athena Diagnostics
Classification: Uncertain significance. Last evaluated: 2020-01-08. Review status: criteria provided, single submitter. Criteria: Athena Diagnostics Criteria. Collection method: clinical testing. Allele origin: unknown.
Comment: This observation is not an independent occurrence and has been identified in the same individual by RCIGM, the other laboratory participating in the GEMINI study.